The following is an entry in ClinVar:

NM_000179.3(MSH6):c.3172+7del

Gene: MSH6 (mutS homolog 6; plus strand). Cytogenetic location: 2p16.3.
Variant type: Deletion.
Coding change: c.3172+7del on transcript NM_000179.3 (MANE Select); 7 bases into the intron after coding-DNA position 3172, one base deleted (C; older notation c.3172+7delC).
Molecular consequence: intron variant.
Genome position (GRCh38, 1-based): chr2:47,801,162, C deleted. VCF-style (leftmost placement, unchanged base first): chr2-47801161-AC-A. GRCh37 (hg19) VCF-style: chr2-48028300-AC-A.
Other names: c.3172+7del (NM_001406809.1, NM_001406796.1, NM_001406808.1 and 2 more transcripts); c.2266+7del (NM_001406811.1, NM_001406814.1, NM_001281493.2 and 6 more transcripts); c.2875+7del (NM_001406805.1, NM_001406797.1, NM_001406801.1 and 10 more transcripts); c.3268+7del (NM_001406795.1, NM_001406802.1); c.3178+7del (NM_001406813.1); c.2647+7del (NM_001406807.1, NM_001406799.1, NM_001406806.1); c.2308+871del (NM_001406803.1); c.1606+1573del (NM_001406817.1); and 4 more.
Identifiers: ClinVar variation 3611434 (VCV003611434.4).

ClinVar aggregate classification (germline): Conflicting classifications of pathogenicity. Review status: criteria provided, conflicting classifications (1 of 4 stars). 3 submissions from 3 submitters: Uncertain significance (1); Likely benign (2). Last evaluated 2025-12-14.

Conditions:
Hereditary nonpolyposis colorectal neoplasms. Identifiers: MedGen C0009405, MeSH D003123.
Lynch syndrome 5 (LYNCH5). Also called: Colorectal cancer, hereditary nonpolyposis, type 5; Hereditary non-polyposis colorectal cancer, type 5. Identifiers: Orphanet 144, MedGen C1833477, MONDO:0013710, OMIM 614350. Disease mechanism: loss of function.
Hereditary cancer-predisposing syndrome. Also called: Hereditary Cancer Syndrome; Neoplastic Syndromes, Hereditary; Tumor predisposition; Hereditary neoplastic syndrome. Identifiers: Orphanet 140162, MedGen C0027672, MeSH D009386, MONDO:0015356.

Submissions (3):

Labcorp Genetics (formerly Invitae), Labcorp
Classification: Likely benign for Hereditary nonpolyposis colorectal neoplasms. Last evaluated: 2025-12-14. Review status: criteria provided, single submitter. Criteria: Invitae Variant Classification Sherloc (09022015). Collection method: clinical testing. Allele origin: germline.

Color Diagnostics, LLC DBA Color Health
Classification: Uncertain significance for Hereditary cancer-predisposing syndrome. Last evaluated: 2025-06-30. Review status: criteria provided, single submitter. Criteria: ACMG Guidelines, 2015. Collection method: clinical testing. Allele origin: germline.
Comment: This variant causes a single nucleotide deletion at +7 position in intron 4 of the MSH6 gene. To our knowledge, functional studies have not been reported for this variant. This variant has not been reported in individuals affected with MSH6-related disorders in the literature. This variant has not been identified in the general population by the Genome Aggregation Database (gnomAD). The available evidence is insufficient to determine the role of this variant in disease conclusively. Therefore, this variant is classified as a Variant of Uncertain Significance.

Myriad Genetics, Inc.
Classification: Likely benign for Lynch syndrome 5. Last evaluated: 2025-01-03. Review status: criteria provided, single submitter. Criteria: Myriad Autosomal Dominant, Autosomal Recessive and X-Linked Classification Criteria (2023). Collection method: clinical testing. Allele origin: unknown.
Comment: This variant is considered likely benign. This variant is intronic and is not expected to impact mRNA splicing.